The following is an entry in ClinVar:

NM_014361.4(CNTN5):c.1658G>T (p.Gly553Val)

Gene: CNTN5 (contactin 5; plus strand). Cytogenetic location: 11q22.1.
Variant type: single nucleotide variant.
Coding change: c.1658G>T on transcript NM_014361.4 (MANE Select); coding-DNA position 1658, G replaced by T.
Protein change: p.Gly553Val; replaces glycine 553 with valine.
Molecular consequence: missense variant.
Genome position (GRCh38, 1-based): chr11:100,191,203, G>T. VCF-style: chr11-100191203-G-T. GRCh37 (hg19) VCF-style: chr11-100061935-G-T.
Other names: c.1658G>T, p.Gly553Val (NM_001243270.2, NM_001243271.2); c.1436G>T, p.Gly479Val (NM_175566.2); short protein forms G479V, G553V.
Identifiers: ClinVar variation 3058246 (VCV003058246.3), dbSNP rs199891447, ClinGen allele CA6242510.

ClinVar aggregate classification (germline): Uncertain significance. Review status: criteria provided, single submitter (1 of 4 stars). 2 submissions from 2 submitters: Uncertain significance (1). 1 of the submissions does not count toward it. Last evaluated 2023-12-28.

Conditions:
CNTN5-related disorder. Also called: CNTN5-related condition.

Allele frequency attached by ClinVar (database versions not stated): TOPMed 0.00011; gnomAD exomes 0.00025; 1000 Genomes Project 30x 0.00031; 1000 Genomes Project 0.00040; ExAC 0.00041; gnomAD 0.00059.
gnomAD v4.1: 455 of 1,612,132 alleles (0.028%); highest among the groups gnomAD compares: Non-Finnish European, 0.023%; 1 homozygote.

Submissions (2):

Ambry Genetics
Classification: Uncertain significance. Last evaluated: 2023-12-28. Review status: criteria provided, single submitter. Criteria: Ambry Variant Classification Scheme 2023. Collection method: clinical testing. Allele origin: germline.

PreventionGenetics, part of Exact Sciences
Classification: Likely benign for CNTN5-related condition. Last evaluated: 2022-02-07. Review status: no assertion criteria provided. Collection method: clinical testing. Allele origin: germline. Not counted in ClinVar's aggregate classification.
Comment: This variant is classified as likely benign based on ACMG/AMP sequence variant interpretation guidelines (Richards et al. 2015 PMID: 25741868, with internal and published modifications).